The following is an entry in ClinVar:

NM_004304.5(ALK):c.52G>C (p.Ala18Pro)

Gene: ALK (ALK receptor tyrosine kinase; minus strand). Cytogenetic location: 2p23.1.
Variant type: single nucleotide variant.
Coding change: c.52G>C on transcript NM_004304.5 (MANE Select); coding-DNA position 52, G replaced by C.
Protein change: p.Ala18Pro; replaces alanine 18 with proline.
Molecular consequence: missense variant.
Genome position (GRCh38, 1-based): chr2:29,920,608, C>G on the plus strand (G>C on the coding strand, the complement: ALK is on the minus strand). VCF-style: chr2-29920608-C-G. GRCh37 (hg19) VCF-style: chr2-30143474-C-G.
Other names: short protein forms A18P.
Identifiers: ClinVar variation 942592 (VCV000942592.10), dbSNP rs1203105916, ClinGen allele CA346590783.

ClinVar aggregate classification (germline): Uncertain significance. Review status: criteria provided, multiple submitters, no conflicts (2 of 4 stars). 2 submissions from 2 submitters: Uncertain significance (2). Last evaluated 2025-03-30.

Conditions:
Hereditary cancer-predisposing syndrome. Also called: Neoplastic Syndromes, Hereditary; Hereditary neoplastic syndrome; Hereditary Cancer Syndrome; Tumor predisposition. Identifiers: Orphanet 140162, MedGen C0027672, MeSH D009386, MONDO:0015356.
Neuroblastoma, susceptibility to, 3. Also called: ALK-Related Neuroblastic Tumor Susceptibility. Identifiers: Orphanet 635, MedGen C2751681, MONDO:0013083, OMIM 613014.

Allele frequency attached by ClinVar (database versions not stated): gnomAD exomes 0.00001.
gnomAD v4.1: 6 of 1,554,964 alleles (0.00039%); highest among the groups gnomAD compares: African/African-American, 0.0014%; no homozygotes.

Submissions (2):

Ambry Genetics
Classification: Uncertain significance for Hereditary cancer-predisposing syndrome. Last evaluated: 2025-03-30. Review status: criteria provided, single submitter. Criteria: Ambry Variant Classification Scheme 2023. Collection method: clinical testing. Allele origin: germline.
Comment: The p.A18P variant (also known as c.52G>C), located in coding exon 1 of the ALK gene, results from a G to C substitution at nucleotide position 52. The alanine at codon 18 is replaced by proline, an amino acid with highly similar properties. This amino acid position is conserved. In addition, the in silico prediction for this alteration is inconclusive. Since supporting evidence is limited at this time, the clinical significance of this alteration remains unclear.

Labcorp Genetics (formerly Invitae), Labcorp
Classification: Uncertain significance for Neuroblastoma, susceptibility to, 3. Last evaluated: 2024-07-16. Review status: criteria provided, single submitter. Criteria: Invitae Variant Classification Sherloc (09022015). Collection method: clinical testing. Allele origin: germline.
Comment: This sequence change replaces alanine, which is neutral and non-polar, with proline, which is neutral and non-polar, at codon 18 of the ALK protein (p.Ala18Pro). This variant is present in population databases (no rsID available, gnomAD 0.002%). This variant has not been reported in the literature in individuals affected with ALK-related conditions. ClinVar contains an entry for this variant (Variation ID: 942592). An algorithm developed to predict the effect of missense changes on protein structure and function (PolyPhen-2) suggests that this variant is likely to be tolerated. In summary, the available evidence is currently insufficient to determine the role of this variant in disease. Therefore, it has been classified as a Variant of Uncertain Significance.